The following is an entry in ClinVar:

NM_001360016.2(G6PD):c.[143T>C;563C>T]

Variant type: Haplotype.
Identifiers: ClinVar variation 1722739 (VCV001722739.2).

ClinVar aggregate classification (germline): Likely pathogenic (1 of 4 stars; one submission).

Conditions:
Anemia, nonspherocytic hemolytic, due to G6PD deficiency (CNSHA1). Also called: Hemolytic anemia due to G6PD deficiency; Favism, susceptibility to; Class I glucose-6-phosphate dehydrogenase deficiency; ANEMIA, CONGENITAL, NONSPHEROCYTIC HEMOLYTIC, 1. Identifiers: Orphanet 466026, MedGen C2720289, MONDO:0010480, OMIM 300908.

Submission:

Dunham Lab, University of Washington
Classification: Likely pathogenic for Anemia, nonspherocytic hemolytic, due to G6PD deficiency. Last evaluated: 2022-08-12. Review status: criteria provided, single submitter. Criteria: Bayesian ACMG Guidelines, 2018. Collection method: curation. Allele origin: unknown. Affected: yes.
Comment: Decreased activity in red blood cells of hemizygote (1%) (PS3). 143T>C is below expected carrier frequency in gnomAD (PM2). Post_P 0.949 (odds of pathogenicity 168.4, Prior_P 0.1).

Literature cited by the submitters: PubMed 23006493.